The following is an entry in ClinVar:

NM_138295.5(PKD1L1):c.737+3A>G

Gene: PKD1L1 (polycystin 1 like 1, transient receptor potential channel interacting; minus strand). Cytogenetic location: 7p12.3.
Variant type: single nucleotide variant.
Coding change: c.737+3A>G on transcript NM_138295.5 (MANE Select); 3 bases into the intron after coding-DNA position 737, A replaced by G.
Molecular consequence: intron variant.
Genome position (GRCh38, 1-based): chr7:47,931,101, T>C on the plus strand (A>G on the coding strand, the complement: PKD1L1 is on the minus strand). VCF-style: chr7-47931101-T-C. GRCh37 (hg19) VCF-style: chr7-47970698-T-C.
Identifiers: ClinVar variation 4986326 (VCV004986326.1).

ClinVar aggregate classification (germline): Uncertain significance (1 of 4 stars; one submission).

Conditions:
PKD1L1-related disorder. Also called: PKD1L1-related condition.

gnomAD v4.1: 8 of 1,613,386 alleles (0.0005%); highest among the groups gnomAD compares: Admixed American, 0.0017%; no homozygotes.

Submission:

PreventionGenetics, part of Exact Sciences
Classification: Uncertain significance for PKD1L1-related condition. Last evaluated: 2026-06-08. Review status: criteria provided, single submitter. Criteria: ACMG Guidelines, 2015. Collection method: clinical testing. Allele origin: germline.
Comment: The PKD1L1 c.737+3A>G variant is predicted to interfere with splicing. To our knowledge, this variant has not been reported in the literature or in a large population database (gnomAD), indicating this variant is rare. This variant is predicted to alter splicing based on available splicing prediction programs (SpliceAI, Jaganathan et al. 2019. PubMed ID: 30661751). However, the use of computer prediction programs is not equivalent to functional evidence. At this time, the clinical significance of this variant is uncertain due to the absence of conclusive functional and genetic evidence.